The following is an entry in ClinVar:

NM_020812.4(DOCK6):c.4813G>A (p.Gly1605Arg)

Genes: DOCK6 (dedicator of cytokinesis 6; minus strand), DOCK6-AS1 (DOCK6 antisense RNA 1; plus strand). Cytogenetic location: 19p13.2.
Variant type: single nucleotide variant.
Coding change: c.4813G>A on transcript NM_020812.4 (MANE Select); coding-DNA position 4813, G replaced by A.
Protein change: p.Gly1605Arg; replaces glycine 1605 with arginine.
Molecular consequence: missense variant.
Genome position (GRCh38, 1-based): chr19:11,209,042, C>T on the plus strand (G>A on the coding strand, the complement: DOCK6 is on the minus strand). VCF-style: chr19-11209042-C-T. GRCh37 (hg19) VCF-style: chr19-11319718-C-T.
Other names: c.4918G>A, p.Gly1640Arg (NM_001367830.1); c.4813G>A (NM_020812.3, NM_020812.2); short protein forms G1640R, G1605R.
Identifiers: ClinVar variation 2191030 (VCV002191030.4), dbSNP rs572628655, ClinGen allele CA9206728.
Genomic context (GRCh38, chr19:11,209,042, plus strand): 5'-CGGCCGCGTGCACCATGCACTGGGCGGCCTCGGCGTGGTTGCCCAGCTCCGCGTGCTTCC[C>T]GGCCATGTTCTGCAACCAGGTCAGCCGAAGGTCCGGTGAGCCCTGGTAGCCCCGGGCAAT-3'
Protein context (NP_065863.2, residues 1595-1615): LRLTWLQNMA[Gly1605Arg]KHAELGNHAE

ClinVar aggregate classification (germline): Uncertain significance. Review status: criteria provided, multiple submitters, no conflicts (2 of 4 stars). 3 submissions from 3 submitters: Uncertain significance (3). Last evaluated 2025-06-10.

Conditions:
Inborn genetic diseases. Identifiers: MedGen C0950123, MeSH D030342.

Allele frequency attached by ClinVar (database versions not stated): ExAC 0.00004; TOPMed 0.00005; gnomAD 0.00007; 1000 Genomes Project 30x 0.00016; 1000 Genomes Project 0.00020.

Submissions (3):

Ambry Genetics
Classification: Uncertain significance for Inborn genetic diseases. Last evaluated: 2025-06-10. Review status: criteria provided, single submitter. Criteria: Ambry Variant Classification Scheme 2023. Collection method: clinical testing. Allele origin: germline.

GeneDx
Classification: Uncertain significance. Last evaluated: 2025-03-30. Review status: criteria provided, single submitter. Criteria: GeneDx Variant Classification Process June 2021. Collection method: clinical testing. Allele origin: germline. Affected: yes.
Comment: In silico analysis supports that this missense variant has a deleterious effect on protein structure/function; Has not been previously published as pathogenic or benign to our knowledge

Labcorp Genetics (formerly Invitae), Labcorp
Classification: Uncertain significance. Last evaluated: 2022-10-25. Review status: criteria provided, single submitter. Criteria: Invitae Variant Classification Sherloc (09022015). Collection method: clinical testing. Allele origin: germline.
Comment: In summary, the available evidence is currently insufficient to determine the role of this variant in disease. Therefore, it has been classified as a Variant of Uncertain Significance. Advanced modeling of protein sequence and biophysical properties (such as structural, functional, and spatial information, amino acid conservation, physicochemical variation, residue mobility, and thermodynamic stability) performed at Invitae indicates that this missense variant is not expected to disrupt DOCK6 protein function. This variant has not been reported in the literature in individuals affected with DOCK6-related conditions. This variant is present in population databases (rs572628655, gnomAD 0.02%). This sequence change replaces glycine, which is neutral and non-polar, with arginine, which is basic and polar, at codon 1605 of the DOCK6 protein (p.Gly1605Arg).